The following is an entry in ClinVar:

ClinVar aggregate classification (germline): Uncertain significance. Review status: criteria provided, multiple submitters, no conflicts (2 of 4 stars). 3 submissions from 3 submitters: Uncertain significance (3). Last evaluated 2025-11-19.

Conditions:
Charcot-Marie-Tooth disease type 4. Also called: Charcot-Marie-Tooth disease, type IV; Charcot-Marie-Tooth, Type 4. Identifiers: Orphanet 64749, MedGen C4082197, MONDO:0018995.
Inborn genetic diseases. Identifiers: MedGen C0950123, MeSH D030342.

Allele frequency attached by ClinVar (database versions not stated): gnomAD 0.00001; ESP Exome Variant Server 0.00008; TOPMed 0.00002.
gnomAD v4.1: 15 of 1,610,858 alleles (0.00093%); highest among the groups gnomAD compares: Non-Finnish European, 0.0013%; no homozygotes.

Submissions (3):

Mayo Clinic Laboratories, Mayo Clinic
Classification: Uncertain significance. Last evaluated: 2025-11-19. Review status: criteria provided, single submitter. Criteria: ACMG Guidelines, 2015. Collection method: clinical testing. Allele origin: germline. Observed: 2 variant alleles.
Comment: BP4_moderate, PM2_supporting

Ambry Genetics
Classification: Uncertain significance for Inborn genetic diseases. Last evaluated: 2025-02-25. Review status: criteria provided, single submitter. Criteria: Ambry Variant Classification Scheme 2023. Collection method: clinical testing. Allele origin: germline.

Labcorp Genetics (formerly Invitae), Labcorp
Classification: Uncertain significance for Charcot-Marie-Tooth disease type 4. Last evaluated: 2021-12-13. Review status: criteria provided, single submitter. Criteria: Invitae Variant Classification Sherloc (09022015). Collection method: clinical testing. Allele origin: germline.
Comment: This sequence change replaces glutamic acid, which is acidic and polar, with lysine, which is basic and polar, at codon 157 of the PRX protein (p.Glu157Lys). This variant is not present in population databases (gnomAD no frequency). This variant has not been reported in the literature in individuals affected with PRX-related conditions. ClinVar contains an entry for this variant (Variation ID: 648628). Algorithms developed to predict the effect of missense changes on protein structure and function are either unavailable or do not agree on the potential impact of this missense change (SIFT: "Deleterious"; PolyPhen-2: "Possibly Damaging"; Align-GVGD: "Class C0"). In summary, the available evidence is currently insufficient to determine the role of this variant in disease. Therefore, it has been classified as a Variant of Uncertain Significance.

NM_181882.3(PRX):c.469G>A (p.Glu157Lys)

Gene: PRX (periaxin; minus strand). Cytogenetic location: 19q13.2.
Variant type: single nucleotide variant.
Coding change: c.469G>A on transcript NM_181882.3 (MANE Select); coding-DNA position 469, G replaced by A.
Protein change: p.Glu157Lys; replaces glutamic acid 157 with lysine.
Molecular consequence: missense variant. On other transcripts: 3 prime UTR variant (1).
Genome position (GRCh38, 1-based): chr19:40,397,883, C>T on the plus strand (G>A on the coding strand, the complement: PRX is on the minus strand). VCF-style: chr19-40397883-C-T. GRCh37 (hg19) VCF-style: chr19-40903790-C-T.
Other names: p.Glu157Lys; c.*674G>A (NM_020956.2); short protein forms E157K.
Identifiers: ClinVar variation 648628 (VCV000648628.6), dbSNP rs149219327, ClinGen allele CA308421911.
Genomic context (GRCh38, chr19:40,397,883, plus strand): 5'-CCTTGACAGCCTCGGCTTTGAGGCCCCGACGCAGGCGGGAGAACTTGGGAAAGGAGAACT[C>T]GACGTCAACAGGGGCCAGGTCAGCGGGGACCCCCAGAGCCCCAGGCACCATCTTCTTCTT-3'
Protein context (NP_870998.2, residues 147-167): VPADLAPVDV[Glu157Lys]FSFPKFSRLR